The following is an entry in ClinVar:

ClinVar aggregate classification (germline): Likely benign. Review status: criteria provided, multiple submitters, no conflicts (2 of 4 stars). 2 submissions from 2 submitters: Likely benign (2). Last evaluated 2026-01-07.

gnomAD v4.1: 2 of 1,613,988 alleles (0.00012%); highest among the groups gnomAD compares: Non-Finnish European, 0.00017%; no homozygotes.

Submissions (2):

Labcorp Genetics (formerly Invitae), Labcorp
Classification: Likely benign. Last evaluated: 2026-01-07. Review status: criteria provided, single submitter. Criteria: Invitae Variant Classification Sherloc (09022015). Collection method: clinical testing. Allele origin: germline.

Women's Health and Genetics/Laboratory Corporation of America, LabCorp
Classification: Likely benign. Last evaluated: 2025-03-21. Review status: criteria provided, single submitter. Criteria: LabCorp Variant Classification Summary - May 2015. Collection method: clinical testing. Allele origin: germline.
Comment: Variant summary: ACVR1 c.1059A>C alters a conserved nucleotide resulting in a synonymous change. Consensus agreement among computation tools predict no significant impact on normal splicing. However, these predictions have yet to be confirmed by functional studies. The variant allele was found at a frequency of 4e-06 in 251152 control chromosomes. The available data on variant occurrences in the general population are insufficient to allow any conclusion about variant significance. To our knowledge, no occurrence of c.1059A>C in individuals affected with Progressive Myositis Ossificans and no experimental evidence demonstrating its impact on protein function have been reported. ClinVar contains an entry for this variant (Variation ID: 3711958). Based on the evidence outlined above, the variant was classified as likely benign.

NM_001111067.4(ACVR1):c.1059A>C (p.Ala353=)

Gene: ACVR1 (activin A receptor type 1; minus strand). Cytogenetic location: 2q24.1.
Variant type: single nucleotide variant.
Coding change: c.1059A>C on transcript NM_001111067.4 (MANE Select); coding-DNA position 1059, A replaced by C.
Protein change: p.Ala353=; no amino-acid change (alanine 353 retained).
Molecular consequence: synonymous variant.
Genome position (GRCh38, 1-based): chr2:157,765,928, T>G on the plus strand (A>C on the coding strand, the complement: ACVR1 is on the minus strand). VCF-style: chr2-157765928-T-G. GRCh37 (hg19) VCF-style: chr2-158622440-T-G.
Other names: c.1059A>C, p.Ala353= (NM_001347665.1, NM_001347666.1, NM_001347667.2 and 3 more transcripts).
Identifiers: ClinVar variation 3711958 (VCV003711958.3).